The following is an entry in ClinVar:

ClinVar aggregate classification (germline): Pathogenic/Likely pathogenic. Review status: criteria provided, multiple submitters, no conflicts (2 of 4 stars). 6 submissions from 6 submitters: Pathogenic (4); Likely pathogenic (1). 1 of the submissions does not count toward it. Last evaluated 2025-05-12.

Conditions:
Medium-chain acyl-coenzyme A dehydrogenase deficiency (ACADMD). Also called: MCADH DEFICIENCY; MCADD; ACADM DEFICIENCY; CARNITINE DEFICIENCY SECONDARY TO MEDIUM-CHAIN ACYL-CoA DEHYDROGENASE DEFICIENCY; Medium chain acyl-CoA dehydrogenase deficiency; MCAD Deficiency. Identifiers: Orphanet 42, MedGen C0220710, MONDO:0008721, OMIM 201450.

Allele frequency attached by ClinVar (database versions not stated): gnomAD exomes below 0.00001 and 0.00001; ExAC 0.00001.
gnomAD v4.1: 1 of 1,494,406 alleles (0.000067%); highest among the groups gnomAD compares: South Asian, 0.0013%; no homozygotes.

Submissions (6):

Natera, Inc.
Classification: Pathogenic for Medium Chain Acyl-CoA Dehydrogenase Deficiency. Last evaluated: 2025-05-12. Review status: criteria provided, single submitter. Criteria: Natera Variant Classification Schema (03/2026). Collection method: clinical testing. Allele origin: germline.
Comment: The c.30+2T>C variant in ACADM is a canonical splice donor site variant predicted to affect pre-mRNA splicing, which may result in an abnormal transcript and altered protein product. This variant is expected to result in nonsense mediated decay, truncation, or a dysfunctional protein product. This variant is rare in the general population with a frequency below the threshold expected for the associated phenotype(s). Another variant at this same site results in an alteration predicted to cause a similar molecular effect has been observed in individual(s) with the associated phenotype. Given the available evidence, this variant is classified as Pathogenic.

Fulgent Genetics
Classification: Likely pathogenic for Medium-chain acyl-coenzyme A dehydrogenase deficiency. Last evaluated: 2024-03-26. Review status: criteria provided, single submitter. Criteria: ACMG Guidelines, 2015. Collection method: clinical testing. Allele origin: germline.

Baylor Genetics
Classification: Pathogenic for Medium-chain acyl-coenzyme A dehydrogenase deficiency. Last evaluated: 2024-03-03. Review status: criteria provided, single submitter. Criteria: ACMG Guidelines, 2015. Collection method: clinical testing. Allele origin: unknown.

Labcorp Genetics (formerly Invitae), Labcorp
Classification: Pathogenic for Medium-chain acyl-coenzyme A dehydrogenase deficiency. Last evaluated: 2023-03-03. Review status: criteria provided, single submitter. Criteria: Invitae Variant Classification Sherloc (09022015). Collection method: clinical testing. Allele origin: germline.
Comment: This sequence change affects a donor splice site in intron 1 of the ACADM gene. It is expected to disrupt RNA splicing. Variants that disrupt the donor or acceptor splice site typically lead to a loss of protein function (PMID: 16199547), and loss-of-function variants in ACADM are known to be pathogenic (PMID: 16121256, 20434380). The frequency data for this variant in the population databases is considered unreliable, as metrics indicate poor data quality at this position in the gnomAD database. Disruption of this splice site has been observed in individual(s) with medium-chain acyl-coenzyme A dehydrogenase deficiency (PMID: 32793418). ClinVar contains an entry for this variant (Variation ID: 551031). Algorithms developed to predict the effect of sequence changes on RNA splicing suggest that this variant may disrupt the consensus splice site. For these reasons, this variant has been classified as Pathogenic.

Revvity Omics, Revvity
Classification: Pathogenic for Medium-chain acyl-coenzyme A dehydrogenase deficiency. Last evaluated: 2019-05-09. Review status: criteria provided, single submitter. Criteria: ACMG Guidelines, 2015. Collection method: clinical testing. Allele origin: germline.

Counsyl
Classification: Likely pathogenic for Medium-chain acyl-coenzyme A dehydrogenase deficiency. Last evaluated: 2017-03-08. Review status: no assertion criteria provided. Collection method: clinical testing. Allele origin: unknown. Not counted in ClinVar's aggregate classification.

Literature cited by the submitters: PubMed 16199547 (cited by Labcorp Genetics (formerly Invitae), Labcorp); PubMed 16121256 (cited by Labcorp Genetics (formerly Invitae), Labcorp); PubMed 20434380 (cited by Labcorp Genetics (formerly Invitae), Labcorp); PubMed 32793418 (cited by Labcorp Genetics (formerly Invitae), Labcorp).

NM_000016.6(ACADM):c.30+2T>C

Gene: ACADM (acyl-CoA dehydrogenase medium chain; plus strand). Cytogenetic location: 1p31.1.
Variant type: single nucleotide variant.
Coding change: c.30+2T>C on transcript NM_000016.6 (MANE Select); the canonical splice donor site of the intron after coding-DNA position 30, T replaced by C.
Molecular consequence: splice donor variant.
Genome position (GRCh38, 1-based): chr1:75,724,819, T>C. VCF-style: chr1-75724819-T-C. GRCh37 (hg19) VCF-style: chr1-76190504-T-C.
Other names: c.30+2T>C (NM_001127328.3, NM_001286043.2, NM_000016.5); c.10+2T>C (NM_001286042.2); c.-268+2T>C (NM_001286044.2).
Identifiers: ClinVar variation 551031 (VCV000551031.16), dbSNP rs768596219, ClinGen allele CA912897.
Genomic context (GRCh38, chr1:75,724,819, plus strand): 5'-TTGTCCGAGTGGCCGGAACGGGAGCCAACATGGCAGCGGGGTTCGGGCGATGCTGCAGGG[T>C]GAGAGGGAGCCCAGCGGTGCGGTGGGGCTGGAACATGGGTATTGTGGTGTCGGAGCAGGG-3'